The following is an entry in ClinVar:

ClinVar aggregate classification (germline): Uncertain significance. Review status: criteria provided, multiple submitters, no conflicts (2 of 4 stars). 3 submissions from 3 submitters: Uncertain significance (3). Last evaluated 2024-12-22.

Conditions:
Long QT syndrome (LQTS). Identifiers: MedGen C0023976, MeSH D008133, MONDO:0002442. Disease mechanism: loss of function. Inheritance: Various modes of inheritance.
Cardiac arrhythmia. Also called: Cardiac rhythm disease; Arrhythmia. Identifiers: MedGen C0003811, MONDO:0007263, HP:0011675.

gnomAD v4.1: 2 of 1,613,870 alleles (0.00012%); highest among the groups gnomAD compares: Non-Finnish European, 0.00017%; no homozygotes.

Submissions (3):

Labcorp Genetics (formerly Invitae), Labcorp
Classification: Uncertain significance for Long QT syndrome. Last evaluated: 2024-12-22. Review status: criteria provided, single submitter. Criteria: Invitae Variant Classification Sherloc (09022015). Collection method: clinical testing. Allele origin: germline.
Comment: This sequence change replaces alanine, which is neutral and non-polar, with aspartic acid, which is acidic and polar, at codon 399 of the KCNQ1 protein (p.Ala399Asp). This variant is not present in population databases (gnomAD no frequency). This variant has not been reported in the literature in individuals affected with KCNQ1-related conditions. Invitae Evidence Modeling of protein sequence and biophysical properties (such as structural, functional, and spatial information, amino acid conservation, physicochemical variation, residue mobility, and thermodynamic stability) indicates that this missense variant is not expected to disrupt KCNQ1 protein function with a negative predictive value of 95%. In summary, the available evidence is currently insufficient to determine the role of this variant in disease. Therefore, it has been classified as a Variant of Uncertain Significance.

All of Us Research Program, National Institutes of Health
Classification: Uncertain significance for Long QT syndrome. Last evaluated: 2024-04-25. Review status: criteria provided, single submitter. Criteria: ACMG Guidelines, 2015. Collection method: clinical testing. Allele origin: germline. Inheritance: Autosomal dominant inheritance. Observed: 1 variant allele, 1 heterozygote.
Comment: This missense variant replaces alanine with aspartic acid at codon 399 of the KCNQ1 protein. Computational prediction is inconclusive regarding the impact of this variant on protein structure and function (internally defined REVEL score threshold 0.5 < inconclusive < 0.7, PMID: 27666373). To our knowledge, functional studies have not been reported for this variant. This variant has been reported in an individual suspected of having epilepsy (PMID: 31696929). This variant has not been identified in the general population by the Genome Aggregation Database (gnomAD). The available evidence is insufficient to determine the role of this variant in disease conclusively. Therefore, this variant is classified as a Variant of Uncertain Significance.

This study involves interpretation of variants in research participants for the purpose of population health screening. Participant phenotype was not available at the time of variant classification. Additional details can be found in publication PMID: 35346344, PMCID: PMC8962531

Color Diagnostics, LLC DBA Color Health
Classification: Uncertain significance for Cardiac arrhythmia. Last evaluated: 2024-04-15. Review status: criteria provided, single submitter. Criteria: ACMG Guidelines, 2015. Collection method: clinical testing. Allele origin: germline.
Comment: This missense variant replaces alanine with aspartic acid at codon 399 of the KCNQ1 protein. Computational prediction is inconclusive regarding the impact of this variant on protein structure and function. To our knowledge, functional studies have not been reported for this variant. This variant has been reported in an individual suspected of having epilepsy (PMID: 31696929). This variant has not been identified in the general population by the Genome Aggregation Database (gnomAD). The available evidence is insufficient to determine the role of this variant in disease conclusively. Therefore, this variant is classified as a Variant of Uncertain Significance.

Literature cited by the submitters: PubMed 31696929 (cited by All of Us Research Program, National Institutes of Health and Color Diagnostics, LLC DBA Color Health).

NM_000218.3(KCNQ1):c.1196C>A (p.Ala399Asp)

Gene: KCNQ1 (potassium voltage-gated channel subfamily Q member 1; plus strand). Cytogenetic location: 11p15.5.
Variant type: single nucleotide variant.
Coding change: c.1196C>A on transcript NM_000218.3 (MANE Select); coding-DNA position 1196, C replaced by A.
Protein change: p.Ala399Asp; replaces alanine 399 with aspartic acid.
Molecular consequence: missense variant.
Genome position (GRCh38, 1-based): chr11:2,587,637, C>A. VCF-style: chr11-2587637-C-A. GRCh37 (hg19) VCF-style: chr11-2608867-C-A.
Other names: c.1100C>A, p.Ala367Asp (NM_001406836.1); c.926C>A, p.Ala309Asp (NM_001406837.1); c.656C>A, p.Ala219Asp (NM_001406838.1); c.815C>A, p.Ala272Asp (NM_181798.2); short protein forms A219D, A272D, A309D, A367D, A399D.
Identifiers: ClinVar variation 3386929 (VCV003386929.4).
Genomic context (GRCh38, chr11:2,587,637, plus strand): 5'-GGAGGTGCTATGCTGCCGAGAACCCCGACTCCTCCACCTGGAAGATCTACATCCGGAAGG[C>A]CCCCCGGAGCCACACTCTGCTGTCACCCAGCCCCAAACCCAAGAAGTCTGTGGTGGTGAG-3'
Protein context (NP_000209.2, residues 389-409): SSTWKIYIRK[Ala399Asp]PRSHTLLSPS